The following is an entry in ClinVar:

NM_001358921.2(COQ2):c.-31_-21del

Genes: COQ2 (coenzyme Q2, polyprenyltransferase; minus strand), LOC112997540 (Sharpr-MPRA regulatory region 13773; plus strand). Cytogenetic location: 4q21.23.
Variant type: Deletion.
Coding change: c.-31_-21del on transcript NM_001358921.2 (MANE Select); 31 bases upstream of the start codon through 21 bases upstream of the start codon, 11 bases deleted (AATCCGAGCTC).
Molecular consequence: 5 prime UTR variant. On other transcripts: frameshift variant (1).
Genome position (GRCh38, 1-based): chr4:83,284,785-83,284,795, GAGCTCGGATT deleted on the plus strand (AATCCGAGCTC on the coding strand, the reverse complement: COQ2 is on the minus strand); deleting any 11 consecutive bases within chr4:83,284,785-83,284,797 gives the same sequence; the c. name uses the placement nearest the transcript's 3' end. VCF-style (leftmost placement, unchanged base first): chr4-83284784-CGAGCTCGGATT-C. GRCh37 (hg19) VCF-style: chr4-84205937-CGAGCTCGGATT-C.
Other names: c.120_130del, p.Ile41fs (NM_015697.9); short protein forms I41fs.
Identifiers: ClinVar variation 1958388 (VCV001958388.2), dbSNP rs2529783001, ClinGen allele CA2580071841.
Genomic context (GRCh38, chr4:83,284,784, plus strand): 5'-CGCAGGCCCCGCGCGAACCCCGCGGCTCGCGAGCCCAGCATGGCGCTGGTGAGGCCGGGA[CGAGCTCGGATT>C]GACGTCATTCCCCGGCAGGCATGCGCAGTGGCACCCGCAGGATGCAATCCTAGTCTGCCA-3'

ClinVar aggregate classification (germline): Uncertain significance (1 of 4 stars; one submission).

Submission:

Labcorp Genetics (formerly Invitae), Labcorp
Classification: Uncertain significance. Last evaluated: 2022-07-26. Review status: criteria provided, single submitter. Criteria: Invitae Variant Classification Sherloc (09022015). Collection method: clinical testing. Allele origin: germline.
Comment: This sequence change creates a premature translational stop signal (p.Ile41Serfs*48) in the COQ2 gene. However, it is currently unclear if variants that occur in this region of the gene cause disease. This variant is not present in population databases (gnomAD no frequency). This variant has not been reported in the literature in individuals affected with COQ2-related conditions. Experimental studies and prediction algorithms are not available or were not evaluated, and the functional significance of this variant is currently unknown. In summary, the available evidence is currently insufficient to determine the role of this variant in disease. Therefore, it has been classified as a Variant of Uncertain Significance.